The following is an entry in ClinVar:

NM_018444.4(PDP1):c.671C>T (p.Thr224Ile)

Gene: PDP1 (pyruvate dehydrogenase phosphatase catalytic subunit 1; plus strand). Cytogenetic location: 8q22.1.
Variant type: single nucleotide variant.
Coding change: c.671C>T on transcript NM_018444.4 (MANE Select); coding-DNA position 671, C replaced by T.
Protein change: p.Thr224Ile; replaces threonine 224 with isoleucine.
Molecular consequence: missense variant.
Genome position (GRCh38, 1-based): chr8:93,922,730, C>T. VCF-style: chr8-93922730-C-T. GRCh37 (hg19) VCF-style: chr8-94934958-C-T.
Other names: c.746C>T, p.Thr249Ile (NM_001161779.2, NM_001161780.2); c.671C>T, p.Thr224Ile (NM_001161781.2); short protein forms T224I, T249I.
Identifiers: ClinVar variation 4282151 (VCV004282151.1).

ClinVar aggregate classification (germline): Uncertain significance (1 of 4 stars; one submission).

gnomAD v4.1: 2 of 1,613,980 alleles (0.00012%); highest among the groups gnomAD compares: African/African-American, 0.0027%; no homozygotes.

Submission:

GeneDx
Classification: Uncertain significance. Last evaluated: 2025-04-15. Review status: criteria provided, single submitter. Criteria: GeneDx Variant Classification Process June 2021. Collection method: clinical testing. Allele origin: germline. Affected: yes.
Comment: Not observed at significant frequency in large population cohorts (gnomAD); In silico analysis indicates that this missense variant does not alter protein structure/function; Has not been previously published as pathogenic or benign to our knowledge